The following is an entry in ClinVar:

ClinVar aggregate classification (germline): Pathogenic (1 of 4 stars; one submission).

Conditions:
Familial intrahepatic cholestasis. Identifiers: Orphanet 284385, MedGen CN296401, MONDO:0017290.

Submission:

Genomenon, Inc
Classification: Pathogenic for Familial intrahepatic cholestasis. Last evaluated: 2026-04-14. Review status: criteria provided, single submitter. Criteria: Genomenon Sequence Variant Interpretation Standards - Updated. Collection method: curation. Allele origin: germline. Affected: yes.
Comment: ABCB4 p.Glu528GlyfsTer6 (c.1583del) is a frameshift variant that results in the production of a truncated protein which is predicted to undergo nonsense-mediated mRNA decay. This variant has been observed in at least one proband with an ABCB4-related disorder (PMID:28924228). It is absent or not present at a significant frequency in gnomAD. In conclusion, we classify ABCB4 p.Glu528GlyfsTer6 (c.1583del) as a pathogenic variant.

Literature cited by the submitters: PubMed 28924228.

NM_000443.4(ABCB4):c.1583del (p.Glu528fs)

Gene: ABCB4 (ATP binding cassette subfamily B member 4; minus strand). Cytogenetic location: 7q21.12.
Variant type: Deletion.
Coding change: c.1583del on transcript NM_000443.4 (MANE Select); coding-DNA position 1583, one base deleted (A; older notation c.1583delA).
Protein change: p.Glu528fs; shifts the reading frame from glutamic acid 528.
Molecular consequence: frameshift variant.
Genome position (GRCh38, 1-based): chr7:87,439,815, T deleted on the plus strand (A on the coding strand, the reverse complement: ABCB4 is on the minus strand). VCF-style (leftmost placement, unchanged base first): chr7-87439814-CT-C. GRCh37 (hg19) VCF-style: chr7-87069130-CT-C.
Other names: c.1583del, p.Glu528fs (NM_018849.3, NM_018850.3); short protein forms E528fs.
Identifiers: ClinVar variation 4846436 (VCV004846436.1).